The following is an entry in ClinVar:

ClinVar aggregate classification (germline): Likely pathogenic. Review status: criteria provided, multiple submitters, no conflicts (2 of 4 stars). 2 submissions from 2 submitters: Likely pathogenic (2). Last evaluated 2024-08-30.

Conditions:
COL4A5-related disorders.

Submissions (2):

Labcorp Genetics (formerly Invitae), Labcorp
Classification: Likely pathogenic. Last evaluated: 2024-08-30. Review status: criteria provided, single submitter. Criteria: Invitae Variant Classification Sherloc (09022015). Collection method: clinical testing. Allele origin: germline.
Comment: This sequence change affects an acceptor splice site in intron 14 of the COL4A5 gene. It is expected to disrupt RNA splicing. Variants that disrupt the donor or acceptor splice site typically lead to a loss of protein function (PMID: 16199547), and loss-of-function variants in COL4A5 are known to be pathogenic (PMID: 9195222, 10752524, 14514738, 24854265, 26809805). This variant is not present in population databases (gnomAD no frequency). Disruption of this splice site has been observed in individual(s) with Alport syndrome (PMID: 32159412, 37097554). ClinVar contains an entry for this variant (Variation ID: 2067400). Algorithms developed to predict the effect of sequence changes on RNA splicing suggest that this variant may disrupt the consensus splice site. In summary, the currently available evidence indicates that the variant is pathogenic, but additional data are needed to prove that conclusively. Therefore, this variant has been classified as Likely Pathogenic.

Blueprint Genetics
Classification: Likely pathogenic for COL4A5-related disorders. Last evaluated: 2023-04-21. Review status: criteria provided, single submitter. Criteria: ACMG Guidelines, 2015. Collection method: clinical testing. Allele origin: germline. Affected: yes. Observed: 1 variant allele.

Literature cited by the submitters: PubMed 16199547 (cited by Labcorp Genetics (formerly Invitae), Labcorp); PubMed 9195222 (cited by Labcorp Genetics (formerly Invitae), Labcorp); PubMed 10752524 (cited by Labcorp Genetics (formerly Invitae), Labcorp); PubMed 14514738 (cited by Labcorp Genetics (formerly Invitae), Labcorp); PubMed 24854265 (cited by Labcorp Genetics (formerly Invitae), Labcorp); PubMed 26809805 (cited by Labcorp Genetics (formerly Invitae), Labcorp); PubMed 32159412 (cited by Labcorp Genetics (formerly Invitae), Labcorp); PubMed 37097554 (cited by Labcorp Genetics (formerly Invitae), Labcorp).

NM_033380.3(COL4A5):c.835-1G>C

Gene: COL4A5 (collagen type IV alpha 5 chain; plus strand). Cytogenetic location: Xq22.3.
Variant type: single nucleotide variant.
Coding change: c.835-1G>C on transcript NM_033380.3 (MANE Select); the canonical splice acceptor site of the intron before coding-DNA position 835, G replaced by C.
Molecular consequence: splice acceptor variant.
Genome position (GRCh38, 1-based): chrX:108,580,681, G>C. VCF-style: chrX-108580681-G-C. GRCh37 (hg19) VCF-style: chrX-107823911-G-C.
Other names: c.835-1G>C (NM_000495.5).
Identifiers: ClinVar variation 2067400 (VCV002067400.5), dbSNP rs2524245019, ClinGen allele CA413925985.